The following is an entry in ClinVar:

NM_000719.7(CACNA1C):c.1785C>T (p.Val595=)

Gene: CACNA1C (calcium voltage-gated channel subunit alpha1 C; plus strand). Cytogenetic location: 12p13.33.
Variant type: single nucleotide variant.
Coding change: c.1785C>T on transcript NM_000719.7 (MANE Select); coding-DNA position 1785, C replaced by T.
Protein change: p.Val595=; no amino-acid change (valine 595 retained).
Molecular consequence: synonymous variant.
Genome position (GRCh38, 1-based): chr12:2,567,684, C>T. VCF-style: chr12-2567684-C-T. GRCh37 (hg19) VCF-style: chr12-2676850-C-T.
Other names: c.1785C>T, p.Val595= (NM_001129827.2, NM_001129829.2, NM_001129830.3 and 18 more transcripts); c.1776C>T, p.Val592= (NM_001129844.2); c.1785C>T (NM_199460.3).
Identifiers: ClinVar variation 698937 (VCV000698937.14), dbSNP rs755436625, ClinGen allele CA6388854.

ClinVar aggregate classification (germline): Likely benign. Review status: criteria provided, multiple submitters, no conflicts (2 of 4 stars). 3 submissions from 3 submitters: Likely benign (3). Last evaluated 2026-03-27.

Conditions:
Cardiovascular phenotype. Identifiers: MedGen CN230736.
Long QT syndrome (LQTS). Identifiers: MedGen C0023976, MeSH D008133, MONDO:0002442. Disease mechanism: loss of function. Inheritance: Various modes of inheritance.

Allele frequency attached by ClinVar (database versions not stated): ExAC 0.00010; gnomAD 0.00001 and 0.00002; gnomAD exomes 0.00002 and 0.00007; TOPMed 0.00003.
gnomAD v4.1: 36 of 1,613,504 alleles (0.0022%); highest among the groups gnomAD compares: East Asian, 0.056%; no homozygotes.

Submissions (3):

Molecular Diagnostic Laboratory for Inherited Cardiovascular Disease, Montreal Heart Institute
Classification: Likely benign. Last evaluated: 2026-03-27. Review status: criteria provided, single submitter. Criteria: ACMG Guidelines, 2015. Collection method: clinical testing. Allele origin: germline. Affected: no.
Comment: BS1;BP7

Labcorp Genetics (formerly Invitae), Labcorp
Classification: Likely benign for Long QT syndrome. Last evaluated: 2025-12-31. Review status: criteria provided, single submitter. Criteria: Invitae Variant Classification Sherloc (09022015). Collection method: clinical testing. Allele origin: germline.

Ambry Genetics
Classification: Likely benign for Cardiovascular phenotype. Last evaluated: 2023-05-19. Review status: criteria provided, single submitter. Criteria: Ambry Variant Classification Scheme 2023. Collection method: clinical testing. Allele origin: germline.